The following is an entry in ClinVar:

ClinVar aggregate classification (germline): Pathogenic (1 of 4 stars; one submission).

Submissions (2):

GeneDx
Classification: Pathogenic. Last evaluated: 2021-12-13. Review status: criteria provided, single submitter. Criteria: GeneDx Variant Classification Process June 2021. Collection method: clinical testing. Allele origin: germline. Affected: yes.
Comment: Has not been previously published as pathogenic or benign to our knowledge; Not observed at significant frequency in large population cohorts (Lek et al., 2016); Canonical splice site variant predicted to result in a null allele in a gene for which loss-of-function is a known mechanism of disease

Dr. Peter K. Rogan Lab, Western University
No classification provided (evidence only). Condition: Thyroid cancer, nonmedullary, 1. Review status: no classification provided. Collection method: in vitro. Allele origin: not applicable. Functional consequence: retained intron. Not counted in ClinVar's aggregate classification.

NM_001205019.2(GK):c.851+1G>A

Genes: GK (glycerol kinase; plus strand), GK-AS1 (GK antisense RNA 1; minus strand). Cytogenetic location: Xp21.2.
Variant type: single nucleotide variant.
Coding change: c.851+1G>A on transcript NM_001205019.2 (MANE Select); the canonical splice donor site of the intron after coding-DNA position 851, G replaced by A.
Molecular consequence: splice donor variant. On other transcripts: non-coding transcript variant (1).
Genome position (GRCh38, 1-based): chrX:30,700,906, G>A. VCF-style: chrX-30700906-G-A. GRCh37 (hg19) VCF-style: chrX-30719023-G-A.
Other names: NC_000023.10:g.30719023G>A; c.917+1G>A (NM_001399987.1); c.851+1G>A (NM_203391.4); c.833+1G>A (NM_001128127.3, NM_000167.6).
Identifiers: ClinVar variation 1205628 (VCV001205628.6), dbSNP rs2147218235, ClinGen allele CA412639861.